The following is an entry in ClinVar:

ClinVar aggregate classification (germline): Likely pathogenic (1 of 4 stars; one submission).

Submission:

GeneDx
Classification: Likely pathogenic. Last evaluated: 2017-08-18. Review status: criteria provided, single submitter. Criteria: GeneDx Variant Classification (06012015). Collection method: clinical testing. Allele origin: germline. Affected: yes.
Comment: The D2969N variant in the HUWE1 gene has not been reported previously as a pathogenic variant, nor as a benign variant, to our knowledge. This variant is not observed in large population cohorts (Lek et al., 2016; 1000 Genomes Consortium et al., 2015; Exome Variant Server). The D2969N variant is a semi-conservative amino acid substitution, which may impact secondary protein structure as these residues differ in some properties. This substitution occurs at a position that is conserved across species, and in silico analysis predicts this variant is probably damaging to the protein structure/function.We interpret D2969N as a likely pathogenic variant.

NM_031407.7(HUWE1):c.8905G>A (p.Asp2969Asn)

Gene: HUWE1 (HECT, UBA and WWE domain containing E3 ubiquitin protein ligase 1; minus strand). Cytogenetic location: Xp11.22.
Variant type: single nucleotide variant.
Coding change: c.8905G>A on transcript NM_031407.7 (MANE Select); coding-DNA position 8905, G replaced by A.
Protein change: p.Asp2969Asn; replaces aspartic acid 2969 with asparagine.
Molecular consequence: missense variant.
Genome position (GRCh38, 1-based): chrX:53,551,457, C>T on the plus strand (G>A on the coding strand, the complement: HUWE1 is on the minus strand). VCF-style: chrX-53551457-C-T. GRCh37 (hg19) VCF-style: chrX-53578418-C-T.
Other names: short protein forms D2969N.
Identifiers: ClinVar variation 451491 (VCV000451491.2), dbSNP rs1556928966, ClinGen allele CA413143886.